The following is an entry in ClinVar:

ClinVar aggregate classification (germline): Likely benign. Review status: criteria provided, multiple submitters, no conflicts (2 of 4 stars). 3 submissions from 3 submitters: Likely benign (3). Last evaluated 2026-03-27.

Conditions:
Cardiovascular phenotype. Identifiers: MedGen CN230736.
Dilated cardiomyopathy 1G (CMD1G). Identifiers: Orphanet 154, MedGen C1858763, MONDO:0011400, OMIM 604145.
Autosomal recessive limb-girdle muscular dystrophy type 2J (LGMDR10). Also called: Limb-girdle muscular dystrophy, type 2J; MUSCULAR DYSTROPHY, LIMB-GIRDLE, AUTOSOMAL RECESSIVE 10. Identifiers: Orphanet 140922, MedGen C1837342, MONDO:0012127, OMIM 608807.

Allele frequency attached by ClinVar (database versions not stated): gnomAD exomes 0.00001 and below 0.00001; gnomAD 0.00008 and 0.00007; 1000 Genomes Project 30x 0.00016; ExAC 0.00001; TOPMed 0.00005; 1000 Genomes Project 0.00020.

Submissions (3):

Molecular Diagnostic Laboratory for Inherited Cardiovascular Disease, Montreal Heart Institute
Classification: Likely benign. Last evaluated: 2026-03-27. Review status: criteria provided, single submitter. Criteria: ACMG Guidelines, 2015. Collection method: clinical testing. Allele origin: germline. Affected: no.
Comment: BS1;BP7

Labcorp Genetics (formerly Invitae), Labcorp
Classification: Likely benign for Dilated cardiomyopathy 1G; Autosomal recessive limb-girdle muscular dystrophy type 2J. Last evaluated: 2026-01-14. Review status: criteria provided, single submitter. Criteria: Invitae Variant Classification Sherloc (09022015). Collection method: clinical testing. Allele origin: germline.

Ambry Genetics
Classification: Likely benign for Cardiovascular phenotype. Last evaluated: 2019-05-22. Review status: criteria provided, single submitter. Criteria: Ambry Variant Classification Scheme 2023. Collection method: clinical testing. Allele origin: germline.

NM_001267550.2(TTN):c.88767A>G (p.Glu29589=)

Genes: TTN (titin; minus strand), TTN-AS1 (TTN antisense RNA 1; plus strand). Cytogenetic location: 2q31.2.
Variant type: single nucleotide variant.
Coding change: c.88767A>G on transcript NM_001267550.2 (MANE Select); coding-DNA position 88767, A replaced by G.
Protein change: p.Glu29589=; no amino-acid change (glutamic acid 29589 retained).
Molecular consequence: synonymous variant.
Genome position (GRCh38, 1-based): chr2:178,554,580, T>C on the plus strand (A>G on the coding strand, the complement: TTN is on the minus strand). VCF-style: chr2-178554580-T-C. GRCh37 (hg19) VCF-style: chr2-179419307-T-C.
Other names: c.83844A>G, p.Glu27948= (NM_001256850.1); c.61572A>G, p.Glu20524= (NM_003319.4); c.81063A>G, p.Glu27021= (NM_133378.4); c.61947A>G, p.Glu20649= (NM_133432.3); c.62148A>G, p.Glu20716= (NM_133437.4).
Identifiers: ClinVar variation 467608 (VCV000467608.15), dbSNP rs150540191, ClinGen allele CA1988083.